The following is an entry in ClinVar:

NM_001384900.1(SEMA3D):c.2176A>G (p.Ser726Gly)

Genes: SEMA3D (semaphorin 3D; minus strand), LOC126860094 (BRD4-independent group 4 enhancer GRCh37_chr7:84628763-84629962; plus strand). Cytogenetic location: 7q21.11.
Variant type: single nucleotide variant.
Coding change: c.2176A>G on transcript NM_001384900.1 (MANE Select); coding-DNA position 2176, A replaced by G.
Protein change: p.Ser726Gly; replaces serine 726 with glycine.
Molecular consequence: missense variant.
Genome position (GRCh38, 1-based): chr7:84,999,598, T>C on the plus strand (A>G on the coding strand, the complement: SEMA3D is on the minus strand). VCF-style: chr7-84999598-T-C. GRCh37 (hg19) VCF-style: chr7-84628914-T-C.
Other names: c.2176A>G, p.Ser726Gly (NM_001384901.1, NM_001384902.1, NM_001384903.1 and 1 more transcripts); short protein forms S726G.
Identifiers: ClinVar variation 2634320 (VCV002634320.3), dbSNP rs767656191, ClinGen allele CA4323197.

ClinVar aggregate classification (germline): Uncertain significance. Review status: criteria provided, single submitter (1 of 4 stars). 2 submissions from 2 submitters: Uncertain significance (1). 1 of the submissions does not count toward it. Last evaluated 2024-06-07.

Conditions:
SEMA3D-related disorder. Also called: SEMA3D-related condition.

Allele frequency attached by ClinVar (database versions not stated): gnomAD 0.00005; TOPMed 0.00005; gnomAD exomes 0.00006; ExAC 0.00008.
gnomAD v4.1: 99 of 1,614,014 alleles (0.0061%); highest among the groups gnomAD compares: Non-Finnish European, 0.0082%; no homozygotes.

Submissions (2):

Ambry Genetics
Classification: Uncertain significance. Last evaluated: 2024-06-07. Review status: criteria provided, single submitter. Criteria: Ambry Variant Classification Scheme 2023. Collection method: clinical testing. Allele origin: germline.

PreventionGenetics, part of Exact Sciences
Classification: Uncertain significance for SEMA3D-related condition. Last evaluated: 2024-05-10. Review status: no assertion criteria provided. Collection method: clinical testing. Allele origin: germline. Not counted in ClinVar's aggregate classification.
Comment: The SEMA3D c.2176A>G variant is predicted to result in the amino acid substitution p.Ser726Gly. To our knowledge, this variant has not been reported in the literature. This variant is reported in 0.011% of alleles in individuals of European (Non-Finnish) descent in gnomAD. At this time, the clinical significance of this variant is uncertain due to the absence of conclusive functional and genetic evidence.